The following is an entry in ClinVar:

NM_001134407.3(GRIN2A):c.2356+2dup

Gene: GRIN2A (glutamate ionotropic receptor NMDA type subunit 2A; minus strand). Cytogenetic location: 16p13.2.
Variant type: Duplication.
Coding change: c.2356+2dup on transcript NM_001134407.3 (MANE Select); the canonical splice donor site of the intron after coding-DNA position 2356, one base duplicated (T; older notation c.2356+2dupT).
Molecular consequence: splice donor variant.
Genome position (GRCh38, 1-based): chr16:9,798,275, A duplicated on the plus strand (T on the coding strand, the reverse complement: GRIN2A is on the minus strand). VCF-style (leftmost placement, unchanged base first): chr16-9798274-T-TA. GRCh37 (hg19) VCF-style: chr16-9892131-T-TA.
Other names: c.2356+2dup (NM_001134408.2, NM_000833.5).
Identifiers: ClinVar variation 2008058 (VCV002008058.4), dbSNP rs2506038692, ClinGen allele CA2580092089.

ClinVar aggregate classification (germline): Uncertain significance (1 of 4 stars; one submission).

Conditions:
Landau-Kleffner syndrome (FESD). Also called: EPILEPSY, FOCAL, WITH SPEECH DISORDER AND WITH OR WITHOUT MENTAL RETARDATION; APHASIA, ACQUIRED, WITH EPILEPSY. Identifiers: Orphanet 1945, Orphanet 725, Orphanet 98818, MedGen C0282512, MONDO:0009509, OMIM 245570.

Submission:

Labcorp Genetics (formerly Invitae), Labcorp
Classification: Uncertain significance for Landau-Kleffner syndrome. Last evaluated: 2022-10-13. Review status: criteria provided, single submitter. Criteria: Invitae Variant Classification Sherloc (09022015). Collection method: clinical testing. Allele origin: germline.
Comment: This variant has not been reported in the literature in individuals affected with GRIN2A-related conditions. This sequence change falls in intron 12 of the GRIN2A gene. It does not directly change the encoded amino acid sequence of the GRIN2A protein. It affects a nucleotide within the consensus splice site. This variant is not present in population databases (gnomAD no frequency). Variants that disrupt the consensus splice site are a relatively common cause of aberrant splicing (PMID: 17576681, 9536098). Algorithms developed to predict the effect of sequence changes on RNA splicing suggest that this variant may disrupt the consensus splice site. In summary, the available evidence is currently insufficient to determine the role of this variant in disease. Therefore, it has been classified as a Variant of Uncertain Significance.

Literature cited by the submitters: PubMed 17576681; PubMed 9536098.